The following is an entry in ClinVar:

NM_001164508.2(NEB):c.24769C>T (p.Leu8257Phe)

Genes: NEB (nebulin; minus strand), RIF1 (replication timing regulatory factor 1; plus strand). Cytogenetic location: 2q23.3.
Variant type: single nucleotide variant.
Coding change: c.24769C>T on transcript NM_001164508.2 (MANE Select); coding-DNA position 24769, C replaced by T.
Protein change: p.Leu8257Phe; replaces leucine 8257 with phenylalanine.
Molecular consequence: missense variant.
Genome position (GRCh38, 1-based): chr2:151,492,491, G>A on the plus strand (C>T on the coding strand, the complement: NEB is on the minus strand). VCF-style: chr2-151492491-G-A. GRCh37 (hg19) VCF-style: chr2-152349005-G-A.
Other names: c.24769C>T, p.Leu8257Phe (NM_001164507.2); c.24874C>T, p.Leu8292Phe (NM_001271208.2); c.19201C>T, p.Leu6401Phe (NM_004543.5); short protein forms L8257F, L8292F, L6401F.
Identifiers: ClinVar variation 2182761 (VCV002182761.1), dbSNP rs747342665, ClinGen allele CA348774471.

ClinVar aggregate classification (germline): Uncertain significance (1 of 4 stars; one submission).

Conditions:
Nemaline myopathy 2 (NEM2). Also called: Nemaline myopathy 2, autosomal recessive. Identifiers: MedGen C1850569, MONDO:0009725, OMIM 256030.

Submission:

Labcorp Genetics (formerly Invitae), Labcorp
Classification: Uncertain significance for Nemaline myopathy 2. Last evaluated: 2022-04-15. Review status: criteria provided, single submitter. Criteria: Invitae Variant Classification Sherloc (09022015). Collection method: clinical testing. Allele origin: germline.
Comment: This sequence change replaces leucine, which is neutral and non-polar, with phenylalanine, which is neutral and non-polar, at codon 8292 of the NEB protein (p.Leu8292Phe). This variant is not present in population databases (gnomAD no frequency). This variant has not been reported in the literature in individuals affected with NEB-related conditions. Algorithms developed to predict the effect of missense changes on protein structure and function are either unavailable or do not agree on the potential impact of this missense change (SIFT: "Deleterious"; PolyPhen-2: "Not Available"; Align-GVGD: "Class C0"). In summary, the available evidence is currently insufficient to determine the role of this variant in disease. Therefore, it has been classified as a Variant of Uncertain Significance.